The following is an entry in ClinVar:

ClinVar aggregate classification (germline): Likely pathogenic (1 of 4 stars; one submission).

Submission:

Labcorp Genetics (formerly Invitae), Labcorp
Classification: Likely pathogenic. Last evaluated: 2022-07-08. Review status: criteria provided, single submitter. Criteria: Invitae Variant Classification Sherloc (09022015). Collection method: clinical testing. Allele origin: germline.
Comment: This sequence change affects an acceptor splice site in intron 14 of the PNPT1 gene. It is expected to disrupt RNA splicing. Variants that disrupt the donor or acceptor splice site typically lead to a loss of protein function (PMID: 16199547), and loss-of-function variants in PNPT1 are known to be pathogenic (PMID: 28594066, 30244537). This variant is not present in population databases (gnomAD no frequency). This variant has not been reported in the literature in individuals affected with PNPT1-related conditions. Algorithms developed to predict the effect of sequence changes on RNA splicing suggest that this variant may disrupt the consensus splice site. In summary, the currently available evidence indicates that the variant is pathogenic, but additional data are needed to prove that conclusively. Therefore, this variant has been classified as Likely Pathogenic.

Literature cited by the submitters: PubMed 16199547; PubMed 28594066; PubMed 30244537.

NM_033109.5(PNPT1):c.1248-1G>C

Gene: PNPT1 (polyribonucleotide nucleotidyltransferase 1; minus strand). Cytogenetic location: 2p16.1.
Variant type: single nucleotide variant.
Coding change: c.1248-1G>C on transcript NM_033109.5 (MANE Select); the canonical splice acceptor site of the intron before coding-DNA position 1248, G replaced by C.
Molecular consequence: splice acceptor variant.
Genome position (GRCh38, 1-based): chr2:55,660,194, C>G on the plus strand (G>C on the coding strand, the complement: PNPT1 is on the minus strand). VCF-style: chr2-55660194-C-G. GRCh37 (hg19) VCF-style: chr2-55887329-C-G.
Identifiers: ClinVar variation 2015144 (VCV002015144.4), dbSNP rs2529537059, ClinGen allele CA346928174.